The following is an entry in ClinVar:

ClinVar aggregate classification (germline): Uncertain significance. Review status: criteria provided, multiple submitters, no conflicts (2 of 4 stars). 4 submissions from 4 submitters: Uncertain significance (3). 1 of the submissions does not count toward it. Last evaluated 2026-09-01.

Conditions:
SCN2A-related disorder. Also called: SCN2A-related disorders; SCN2A-related condition. Identifiers: MedGen CN382226, MONDO:1060245.
Inborn genetic diseases. Identifiers: MedGen C0950123, MeSH D030342.
Seizures, benign familial infantile, 3 (BFIS3). Also called: Familial neonatal seizures; CONVULSIONS, BENIGN FAMILIAL INFANTILE, 3. Identifiers: Orphanet 140927, Orphanet 306, MedGen C1843140, MONDO:0011904, OMIM 607745.
Developmental and epileptic encephalopathy, 11 (DEE11). Also called: Early infantile epileptic encephalopathy 11. Identifiers: Orphanet 1934, MedGen C3150987, MONDO:0013388, OMIM 613721.

Allele frequency attached by ClinVar (database versions not stated): TOPMed 0.00001.

Submissions (4):

GeneDx
Classification: Uncertain significance. Last evaluated: 2026-09-01. Review status: criteria provided, single submitter. Criteria: GeneDx Variant Classification Process June 2021. Collection method: clinical testing. Allele origin: germline.
Comment: Not observed at significant frequency in large population cohorts (gnomAD); In silico analysis suggests that this missense variant does not alter protein structure/function; This substitution is predicted to be within the transmembrane segment S1 of the fourth homologous domain; Has not been previously published as pathogenic or benign to our knowledge

Labcorp Genetics (formerly Invitae), Labcorp
Classification: Uncertain significance for Seizures, benign familial infantile, 3; Developmental and epileptic encephalopathy, 11. Last evaluated: 2025-02-12. Review status: criteria provided, single submitter. Criteria: Invitae Variant Classification Sherloc (09022015). Collection method: clinical testing. Allele origin: germline.
Comment: This sequence change replaces serine, which is neutral and polar, with asparagine, which is neutral and polar, at codon 1536 of the SCN2A protein (p.Ser1536Asn). This variant is not present in population databases (gnomAD no frequency). This variant has not been reported in the literature in individuals affected with SCN2A-related conditions. ClinVar contains an entry for this variant (Variation ID: 449529). Invitae Evidence Modeling of protein sequence and biophysical properties (such as structural, functional, and spatial information, amino acid conservation, physicochemical variation, residue mobility, and thermodynamic stability) has been performed for this missense variant. However, the output from this modeling did not meet the statistical confidence thresholds required to predict the impact of this variant on SCN2A protein function. In summary, the available evidence is currently insufficient to determine the role of this variant in disease. Therefore, it has been classified as a Variant of Uncertain Significance.

Ambry Genetics
Classification: Uncertain significance for Inborn genetic diseases. Last evaluated: 2023-12-29. Review status: criteria provided, single submitter. Criteria: Ambry Variant Classification Scheme 2023. Collection method: clinical testing. Allele origin: germline.
Comment: The c.4607G>A (p.S1536N) alteration is located in exon 26 (coding exon 25) of the SCN2A gene. This alteration results from a G to A substitution at nucleotide position 4607, causing the serine (S) at amino acid position 1536 to be replaced by an asparagine (N). This variant was not reported in population-based cohorts in the Genome Aggregation Database (gnomAD). Another alteration at the same codon, c.4608C>A (p.S1536R), has been detected in an individual with clinical features consistent with SCN2A-related neurodevelopmental disorder (Wolff, 2017). This amino acid position is poorly conserved in available vertebrate species. The in silico prediction for this alteration is inconclusive. Based on insufficient or conflicting evidence, the clinical significance of this alteration remains unclear.

PreventionGenetics, part of Exact Sciences
Classification: Uncertain significance for SCN2A-related condition. Last evaluated: 2024-06-21. Review status: no assertion criteria provided. Collection method: clinical testing. Allele origin: germline. Not counted in ClinVar's aggregate classification.
Comment: The SCN2A c.4607G>A variant is predicted to result in the amino acid substitution p.Ser1536Asn. To our knowledge, this variant has not been reported in the literature or in a large population database, indicating this variant is rare. An alternate missense variant (p.Ser1536Arg) has been reported to occur de novo in an individual with encephalopathy with early-onset epilepsy (Wolff et al. 2017. PubMed ID: 28379373). At this time, the clinical significance of the c.4607G>A (p.Ser1536Asn) is uncertain due to the absence of conclusive functional and genetic evidence.

Literature cited by the submitters: PubMed 28379373 (cited by Ambry Genetics).

NM_001040142.2(SCN2A):c.4607G>A (p.Ser1536Asn)

Gene: SCN2A (sodium voltage-gated channel alpha subunit 2; plus strand). Cytogenetic location: 2q24.3.
Variant type: single nucleotide variant.
Coding change: c.4607G>A on transcript NM_001040142.2 (MANE Select); coding-DNA position 4607, G replaced by A.
Protein change: p.Ser1536Asn; replaces serine 1536 with asparagine.
Molecular consequence: missense variant.
Genome position (GRCh38, 1-based): chr2:165,386,801, G>A. VCF-style: chr2-165386801-G-A. GRCh37 (hg19) VCF-style: chr2-166243311-G-A.
Other names: c.4607G>A, p.Ser1536Asn (NM_001040143.2, NM_001371246.1, NM_001371247.1 and 1 more transcripts); short protein forms S1536N.
Identifiers: ClinVar variation 449529 (VCV000449529.14), dbSNP rs1044510361, ClinGen allele CA59750878.